The following is an entry in ClinVar:

ClinVar aggregate classification (germline): Uncertain significance. Review status: criteria provided, multiple submitters, no conflicts (2 of 4 stars). 2 submissions from 2 submitters: Uncertain significance (2). Last evaluated 2025-01-06.

Submissions (2):

Labcorp Genetics (formerly Invitae), Labcorp
Classification: Uncertain significance. Last evaluated: 2025-01-06. Review status: criteria provided, single submitter. Criteria: Invitae Variant Classification Sherloc (09022015). Collection method: clinical testing. Allele origin: germline.
Comment: This variant, c.672_674del, results in the deletion of 1 amino acid(s) of the LARP7 protein (p.Lys225del), but otherwise preserves the integrity of the reading frame. The frequency data for this variant in the population databases is considered unreliable, as metrics indicate poor data quality at this position in the gnomAD database. This variant has not been reported in the literature in individuals affected with LARP7-related conditions. Experimental studies and prediction algorithms are not available or were not evaluated, and the functional significance of this variant is currently unknown. In summary, the available evidence is currently insufficient to determine the role of this variant in disease. Therefore, it has been classified as a Variant of Uncertain Significance.

Breakthrough Genomics
Classification: Uncertain significance. Review status: criteria provided, single submitter. Criteria: ACMG Guidelines, 2015. Collection method: not provided. Allele origin: germline. Inheritance: Autosomal recessive inheritance. Affected: yes.

NM_016648.4(LARP7):c.666GAA[2] (p.Lys225del)

Genes: LARP7 (La ribonucleoprotein 7, transcriptional regulator; plus strand), MIR302CHG (miR-302/367 cluster host gene; minus strand). Cytogenetic location: 4q25.
Variant type: Microsatellite.
Coding change: c.666GAA[2] on transcript NM_016648.4 (MANE Select); two copies in a row of the 3-base unit GAA starting at c.666; the reference has three copies in a row; one copy, 3 bases deleted.
Protein change: p.Lys225del; deletes lysine 225.
Molecular consequence: inframe deletion.
Genome position (GRCh38, 1-based): chr4:112,647,224-112,647,226, GAA deleted; deleting any 3 consecutive bases within chr4:112,647,216-112,647,226 gives the same sequence; the position shown is the placement nearest the transcript's 3' end. VCF-style (leftmost placement, unchanged base first): chr4-112647215-AAAG-A. GRCh37 (hg19) VCF-style: chr4-113568371-AAAG-A.
Other names: c.666GAA[2], p.Lys225del (NM_001267039.4, NM_001370974.1, NM_001370975.1 and 2 more transcripts); c.663GAA[2], p.Lys224del (NM_001370976.1, NM_001370977.1, NM_001370979.1 and 1 more transcripts); c.429GAA[2], p.Lys146del (NM_001370981.1, NM_001370982.1); short protein forms K224del, K146del, K225del.
Identifiers: ClinVar variation 1509488 (VCV001509488.6), dbSNP rs758793282, ClinGen allele CA3049229.